The following is an entry in ClinVar:

NM_014003.4(DHX38):c.1067A>C (p.His356Pro)

Gene: DHX38 (DEAH-box helicase 38; plus strand). Cytogenetic location: 16q22.2.
Variant type: single nucleotide variant.
Coding change: c.1067A>C on transcript NM_014003.4 (MANE Select); coding-DNA position 1067, A replaced by C.
Protein change: p.His356Pro; replaces histidine 356 with proline.
Molecular consequence: missense variant.
Genome position (GRCh38, 1-based): chr16:72,099,838, A>C. VCF-style: chr16-72099838-A-C. GRCh37 (hg19) VCF-style: chr16-72133737-A-C.
Other names: short protein forms H356P.
Identifiers: ClinVar variation 1994658 (VCV001994658.4), dbSNP rs1248943766, ClinGen allele CA396704478.

ClinVar aggregate classification (germline): Uncertain significance (1 of 4 stars; one submission).

gnomAD v4.1: 3 of 1,613,560 alleles (0.00019%); highest among the groups gnomAD compares: South Asian, 0.0033%; no homozygotes.

Submission:

Labcorp Genetics (formerly Invitae), Labcorp
Classification: Uncertain significance. Last evaluated: 2024-11-04. Review status: criteria provided, single submitter. Criteria: Invitae Variant Classification Sherloc (09022015). Collection method: clinical testing. Allele origin: germline.
Comment: This sequence change replaces histidine, which is basic and polar, with proline, which is neutral and non-polar, at codon 356 of the DHX38 protein (p.His356Pro). This variant is present in population databases (no rsID available, gnomAD 0.007%). This variant has not been reported in the literature in individuals affected with DHX38-related conditions. ClinVar contains an entry for this variant (Variation ID: 1994658). Invitae Evidence Modeling of protein sequence and biophysical properties (such as structural, functional, and spatial information, amino acid conservation, physicochemical variation, residue mobility, and thermodynamic stability) indicates that this missense variant is not expected to disrupt DHX38 protein function with a negative predictive value of 80%. In summary, the available evidence is currently insufficient to determine the role of this variant in disease. Therefore, it has been classified as a Variant of Uncertain Significance.